The following is an entry in ClinVar:

NM_000660.7(TGFB1):c.30GCT[6] (p.Leu11_Leu13dup)

Gene: TGFB1 (transforming growth factor beta 1; minus strand). Cytogenetic location: 19q13.2.
Variant type: Microsatellite.
Coding change: c.30GCT[6] on transcript NM_000660.7 (MANE Select); six copies in a row of the 3-base unit GCT starting at c.30; the reference has three copies in a row; three copies, 9 bases duplicated.
Protein change: p.Leu11_Leu13dup.
Molecular consequence: inframe insertion.
Genome position (GRCh38, 1-based): chr19:41,353,007-41,353,015, AGCAGCAGC duplicated on the plus strand (GCTGCTGCT on the coding strand, the reverse complement: TGFB1 is on the minus strand). VCF-style (leftmost placement, unchanged base first): chr19-41353006-T-TAGCAGCAGC. GRCh37 (hg19) VCF-style: chr19-41858911-T-TAGCAGCAGC.
Identifiers: ClinVar variation 38892 (VCV000038892.11), dbSNP rs281865483, ClinGen allele CA308518766.

ClinVar aggregate classification (germline): Uncertain significance. Review status: criteria provided, single submitter (1 of 4 stars). 2 submissions from 2 submitters: Uncertain significance (1). 1 of the submissions does not count toward it. Last evaluated 2025-08-03.

Conditions:
Diaphyseal dysplasia. Also called: PROGRESSIVE DIAPHYSEAL DYSPLASIA; ENGELMANN DISEASE; Camurati-Engelmann Disease. Identifiers: Orphanet 1328, MedGen C0011989, MONDO:0007542, HP:0100252.

Submissions (2):

Labcorp Genetics (formerly Invitae), Labcorp
Classification: Uncertain significance. Last evaluated: 2025-08-03. Review status: criteria provided, single submitter. Criteria: Invitae Variant Classification Sherloc (09022015). Collection method: clinical testing. Allele origin: germline.
Comment: This variant, c.30_38dup, results in the insertion of 3 amino acid(s) of the TGFB1 protein (p.Leu11_Leu13dup), but otherwise preserves the integrity of the reading frame. This variant is not present in population databases (gnomAD no frequency). This variant has been observed in individuals with a diagnosis of or clinical features of Camurati-Engelmann disease (PMID: 11062463; internal data). Experimental studies and prediction algorithms are not available or were not evaluated, and the functional significance of this variant is currently unknown. In summary, the available evidence is currently insufficient to determine the role of this variant in disease. Therefore, it has been classified as a Variant of Uncertain Significance.

GeneReviews
No classification provided. Condition: Diaphyseal dysplasia. Review status: no classification provided. Collection method: literature only. Allele origin: germline. Not counted in ClinVar's aggregate classification.

Literature cited by the submitters: PubMed 11062463 (cited by Labcorp Genetics (formerly Invitae), Labcorp); NCBI Bookshelf NBK1156 (cited by GeneReviews).